The following is an entry in ClinVar:

ClinVar aggregate classification (germline): Uncertain significance. Review status: criteria provided, multiple submitters, no conflicts (2 of 4 stars). 2 submissions from 2 submitters: Uncertain significance (2). Last evaluated 2022-09-18.

Conditions:
Hereditary cancer-predisposing syndrome. Also called: Tumor predisposition; Neoplastic Syndromes, Hereditary; Hereditary Cancer Syndrome; Hereditary neoplastic syndrome. Identifiers: Orphanet 140162, MedGen C0027672, MeSH D009386, MONDO:0015356.
Tuberous sclerosis 2 (TSC2). Identifiers: Orphanet 805, MedGen C1860707, MONDO:0013199, OMIM 613254.

gnomAD v4.1: 1 of 1,613,128 alleles (0.000062%); no homozygotes.

Submissions (2):

Labcorp Genetics (formerly Invitae), Labcorp
Classification: Uncertain significance for Tuberous sclerosis 2. Last evaluated: 2022-09-18. Review status: criteria provided, single submitter. Criteria: Invitae Variant Classification Sherloc (09022015). Collection method: clinical testing. Allele origin: germline.
Comment: Advanced modeling of protein sequence and biophysical properties (such as structural, functional, and spatial information, amino acid conservation, physicochemical variation, residue mobility, and thermodynamic stability) performed at Invitae indicates that this missense variant is not expected to disrupt TSC2 protein function. In summary, the available evidence is currently insufficient to determine the role of this variant in disease. Therefore, it has been classified as a Variant of Uncertain Significance. This sequence change replaces isoleucine, which is neutral and non-polar, with leucine, which is neutral and non-polar, at codon 610 of the TSC2 protein (p.Ile610Leu). This variant is not present in population databases (gnomAD no frequency). This variant has not been reported in the literature in individuals affected with TSC2-related conditions.

Ambry Genetics
Classification: Uncertain significance for Hereditary cancer-predisposing syndrome. Last evaluated: 2020-07-17. Review status: criteria provided, single submitter. Criteria: Ambry Variant Classification Scheme 2023. Collection method: clinical testing. Allele origin: germline.
Comment: The p.I610L variant (also known as c.1828A>C), located in coding exon 16 of the TSC2 gene, results from an A to C substitution at nucleotide position 1828. The isoleucine at codon 610 is replaced by leucine, an amino acid with highly similar properties. This amino acid position is highly conserved in available vertebrate species. In addition, this alteration is predicted to be deleterious by in silico analysis. Since supporting evidence is limited at this time, the clinical significance of this alteration remains unclear.

NM_000548.5(TSC2):c.1828A>C (p.Ile610Leu)

Gene: TSC2 (TSC complex subunit 2; plus strand). Cytogenetic location: 16p13.3.
Variant type: single nucleotide variant.
Coding change: c.1828A>C on transcript NM_000548.5 (MANE Select); coding-DNA position 1828, A replaced by C.
Protein change: p.Ile610Leu; replaces isoleucine 610 with leucine.
Molecular consequence: missense variant.
Genome position (GRCh38, 1-based): chr16:2,070,567, A>C. VCF-style: chr16-2070567-A-C. GRCh37 (hg19) VCF-style: chr16-2120568-A-C.
Other names: c.1828A>C, p.Ile610Leu (NM_001077183.3, NM_001114382.3, NM_001363528.2 and 6 more transcripts); c.1717A>C, p.Ile573Leu (NM_001318827.2, NM_001406678.1, NM_001406670.1); c.1681A>C, p.Ile561Leu (NM_001318829.2, NM_001406675.1, NM_001406676.1 and 1 more transcripts); c.1228A>C, p.Ile410Leu (NM_001318831.2, NM_001406680.1, NM_001406682.1 and 6 more transcripts); c.1861A>C, p.Ile621Leu (NM_001318832.2); c.1816A>C, p.Ile606Leu (NM_001406671.1, NM_001406673.1); c.1771A>C, p.Ile591Leu (NM_001406677.1); c.1366A>C, p.Ile456Leu (NM_001406681.1); and 3 more; short protein forms I162L, I591L, I606L, I610L, I76L, I410L, I456L, I561L.
Identifiers: ClinVar variation 1780872 (VCV001780872.7), dbSNP rs1285778253, ClinGen allele CA394273001.
Genomic context (GRCh38, chr16:2,070,567, plus strand): 5'-CTGGTCAGCCACATTCAGCTCCACTACAAGCACAGCTACACCCTGCCAATCGCGAGCAGC[A>C]TCCGGCTGCAGGTATGGTGGCTGGGGTTGCGCAGCCAGTTCCTGGGGGCCCAGCCAGGTA-3'
Protein context (NP_000539.2, residues 600-620): HSYTLPIASS[Ile610Leu]RLQAFDFLLL